The following is an entry in ClinVar:

ClinVar aggregate classification (germline): Uncertain significance (1 of 4 stars; one submission).

Conditions:
PHEX-related disorder. Also called: PHEX-related condition.

Submission:

PreventionGenetics, part of Exact Sciences
Classification: Uncertain significance for PHEX-related condition. Last evaluated: 2023-01-25. Review status: criteria provided, single submitter. Criteria: ACMG Guidelines, 2015. Collection method: clinical testing. Allele origin: germline.
Comment: The PHEX c.198C>G variant is predicted to result in the amino acid substitution p.Ile66Met. To our knowledge, this variant has not been reported in the literature or in a large population database, indicating this variant is rare. At this time, the clinical significance of this variant is uncertain due to the absence of conclusive functional and genetic evidence.

NM_000444.6(PHEX):c.198C>G (p.Ile66Met)

Gene: PHEX (phosphate regulating endopeptidase X-linked; plus strand). Cytogenetic location: Xp22.11.
Variant type: single nucleotide variant.
Coding change: c.198C>G on transcript NM_000444.6 (MANE Select); coding-DNA position 198, C replaced by G.
Protein change: p.Ile66Met; replaces isoleucine 66 with methionine.
Molecular consequence: missense variant.
Genome position (GRCh38, 1-based): chrX:22,047,060, C>G. VCF-style: chrX-22047060-C-G. GRCh37 (hg19) VCF-style: chrX-22065178-C-G.
Other names: c.198C>G, p.Ile66Met (NM_001282754.2); short protein forms I66M.
Identifiers: ClinVar variation 2629828 (VCV002629828.1), dbSNP rs2519722178, ClinGen allele CA412567509.